The following is an entry in ClinVar:

ClinVar aggregate classification (germline): Likely benign (0 of 4 stars; one submission).

Conditions:
TTN-related disorder. Also called: TTN-related condition; TTN-related disease; TTN-related disorders.

Allele frequency attached by ClinVar (database versions not stated): gnomAD 0.00001; TOPMed 0.00001.
gnomAD v4.1: 14 of 1,611,970 alleles (0.00087%); highest among the groups gnomAD compares: Admixed American, 0.0033%; no homozygotes.

Submission:

PreventionGenetics, part of Exact Sciences
Classification: Likely benign for TTN-related condition. Last evaluated: 2019-06-13. Review status: no assertion criteria provided. Collection method: clinical testing. Allele origin: germline.
Comment: This variant is classified as likely benign based on ACMG/AMP sequence variant interpretation guidelines (Richards et al. 2015 PMID: 25741868, with internal and published modifications).

NM_001267550.2(TTN):c.33418+4C>A

Gene: TTN (titin; minus strand). Cytogenetic location: 2q31.2.
Variant type: single nucleotide variant.
Coding change: c.33418+4C>A on transcript NM_001267550.2 (MANE Select); 4 bases into the intron after coding-DNA position 33418, C replaced by A.
Molecular consequence: intron variant.
Genome position (GRCh38, 1-based): chr2:178,680,250, G>T on the plus strand (C>A on the coding strand, the complement: TTN is on the minus strand). VCF-style: chr2-178680250-G-T. GRCh37 (hg19) VCF-style: chr2-179544977-G-T.
Other names: c.13283-37933C>A (NM_003319.4); c.13859-37933C>A (NM_133437.4); c.13658-37933C>A (NM_133432.3); c.29686+4C>A (NM_133378.4); c.32467+4C>A (NM_001256850.1).
Identifiers: ClinVar variation 3033410 (VCV003033410.2), dbSNP rs749929152, ClinGen allele CA1998356.